The following is an entry in ClinVar:

NM_032119.4(ADGRV1):c.10336C>G (p.Gln3446Glu)

Gene: ADGRV1 (adhesion G protein-coupled receptor V1; plus strand). Cytogenetic location: 5q14.3.
Variant type: single nucleotide variant.
Coding change: c.10336C>G on transcript NM_032119.4 (MANE Select); coding-DNA position 10336, C replaced by G.
Protein change: p.Gln3446Glu; replaces glutamine 3446 with glutamic acid.
Molecular consequence: missense variant. On other transcripts: non-coding transcript variant (1).
Genome position (GRCh38, 1-based): chr5:90,728,843, C>G. VCF-style: chr5-90728843-C-G. GRCh37 (hg19) VCF-style: chr5-90024660-C-G.
Other names: short protein forms Q3446E.
Identifiers: ClinVar variation 3373697 (VCV003373697.1).
Genomic context (GRCh38, chr5:90,728,843, plus strand): 5'-GCTAATGCCAGGCTAAACTCCCTTTTATTCAGATGGTCTGGCAGTGGGTTTATTAACTTT[C>G]AAGAGGTGCCTGTCAGTGGGACAACAGAAGTTGAGGCTTTGTCTTCAGCCAATGATATTT-3'
Protein context (NP_115495.3, residues 3436-3456): RWSGSGFINF[Gln3446Glu]EVPVSGTTEV

ClinVar aggregate classification (germline): Uncertain significance (1 of 4 stars; one submission).

gnomAD v4.1: 2 of 1,613,806 alleles (0.00012%); highest among the groups gnomAD compares: Admixed American, 0.0017%; no homozygotes.

Submission:

GeneDx
Classification: Uncertain significance. Last evaluated: 2024-03-10. Review status: criteria provided, single submitter. Criteria: GeneDx Variant Classification Process June 2021. Collection method: clinical testing. Allele origin: germline. Affected: yes.
Comment: Not observed at significant frequency in large population cohorts (gnomAD); In silico analysis supports that this missense variant does not alter protein structure/function; Has not been previously published as pathogenic or benign to our knowledge